The following is an entry in ClinVar:

ClinVar aggregate classification (germline): Uncertain significance. Review status: criteria provided, multiple submitters, no conflicts (2 of 4 stars). 2 submissions from 2 submitters: Uncertain significance (2). Last evaluated 2024-10-10.

Allele frequency attached by ClinVar (database versions not stated): ExAC 0.00002; gnomAD 0.00002 and 0.00003; gnomAD exomes 0.00002; TOPMed 0.00003; ESP Exome Variant Server 0.00008.
gnomAD v4.1: 103 of 1,613,930 alleles (0.0064%); highest among the groups gnomAD compares: Non-Finnish European, 0.0084%; no homozygotes.

Submissions (2):

Labcorp Genetics (formerly Invitae), Labcorp
Classification: Uncertain significance. Last evaluated: 2024-10-10. Review status: criteria provided, single submitter. Criteria: Invitae Variant Classification Sherloc (09022015). Collection method: clinical testing. Allele origin: germline.
Comment: This sequence change replaces glycine, which is neutral and non-polar, with arginine, which is basic and polar, at codon 1046 of the A2ML1 protein (p.Gly1046Arg). This variant is present in population databases (rs374518651, gnomAD 0.004%). This variant has not been reported in the literature in individuals affected with A2ML1-related conditions. ClinVar contains an entry for this variant (Variation ID: 939900). An algorithm developed to predict the effect of missense changes on protein structure and function (PolyPhen-2) suggests that this variant is likely to be disruptive. In summary, the available evidence is currently insufficient to determine the role of this variant in disease. Therefore, it has been classified as a Variant of Uncertain Significance.

Ambry Genetics
Classification: Uncertain significance. Last evaluated: 2024-05-17. Review status: criteria provided, single submitter. Criteria: Ambry Variant Classification Scheme 2023. Collection method: clinical testing. Allele origin: germline.
Comment: The p.G1046R variant (also known as c.3136G>C), located in coding exon 26 of the A2ML1 gene, results from a G to C substitution at nucleotide position 3136. The glycine at codon 1046 is replaced by arginine, an amino acid with dissimilar properties. This amino acid position is conserved. In addition, this alteration is predicted to be tolerated by in silico analysis. Since supporting evidence is limited at this time, the clinical significance of this alteration remains unclear.

NM_144670.6(A2ML1):c.3136G>C (p.Gly1046Arg)

Gene: A2ML1 (alpha-2-macroglobulin like 1; plus strand). Cytogenetic location: 12p13.31.
Variant type: single nucleotide variant.
Coding change: c.3136G>C on transcript NM_144670.6 (MANE Select); coding-DNA position 3136, G replaced by C.
Protein change: p.Gly1046Arg; replaces glycine 1046 with arginine.
Molecular consequence: missense variant.
Genome position (GRCh38, 1-based): chr12:8,857,974, G>C. VCF-style: chr12-8857974-G-C. GRCh37 (hg19) VCF-style: chr12-9010570-G-C.
Other names: c.1663G>C, p.Gly555Arg (NM_001282424.3); short protein forms G555R, G1046R.
Identifiers: ClinVar variation 939900 (VCV000939900.12), dbSNP rs374518651, ClinGen allele CA6436278.